The following is an entry in ClinVar:

ClinVar aggregate classification (germline): Uncertain significance. Review status: criteria provided, multiple submitters, no conflicts (2 of 4 stars). 2 submissions from 2 submitters: Uncertain significance (2). Last evaluated 2024-11-28.

Conditions:
Mendelian susceptibility to mycobacterial diseases due to complete IL12RB1 deficiency. Also called: Immunodeficiency 30; IL12RB1 DEFICIENCY. Identifiers: Orphanet 319552, MedGen C4013949, MONDO:0013955, OMIM 614891.

Allele frequency attached by ClinVar (database versions not stated): gnomAD exomes 0.00005; ExAC 0.00006; gnomAD 0.00006; TOPMed 0.00006; ESP Exome Variant Server 0.00008.
gnomAD v4.1: 83 of 1,613,882 alleles (0.0051%); highest among the groups gnomAD compares: Non-Finnish European, 0.0062%; no homozygotes.

Submissions (2):

Labcorp Genetics (formerly Invitae), Labcorp
Classification: Uncertain significance for Mendelian susceptibility to mycobacterial diseases due to complete IL12RB1 deficiency. Last evaluated: 2024-11-28. Review status: criteria provided, single submitter. Criteria: Invitae Variant Classification Sherloc (09022015). Collection method: clinical testing. Allele origin: germline.
Comment: This sequence change replaces proline, which is neutral and non-polar, with leucine, which is neutral and non-polar, at codon 37 of the IL12RB1 protein (p.Pro37Leu). This variant is present in population databases (rs142484991, gnomAD 0.02%). This variant has not been reported in the literature in individuals affected with IL12RB1-related conditions. ClinVar contains an entry for this variant (Variation ID: 844808). An algorithm developed to predict the effect of missense changes on protein structure and function outputs the following: PolyPhen-2: "Benign". The leucine amino acid residue is found in multiple mammalian species, which suggests that this missense change does not adversely affect protein function. Algorithms developed to predict the effect of sequence changes on RNA splicing suggest that this variant may disrupt the consensus splice site. In summary, the available evidence is currently insufficient to determine the role of this variant in disease. Therefore, it has been classified as a Variant of Uncertain Significance.

CeGaT Center for Human Genetics Tuebingen
Classification: Uncertain significance. Last evaluated: 2024-11-01. Review status: criteria provided, single submitter. Criteria: CeGaT Center For Human Genetics Tuebingen Variant Classification Criteria Version 2. Collection method: clinical testing. Allele origin: germline. Affected: yes. Observed: 1 variant allele.
Comment: IL12RB1: PM2, BP4

NM_005535.3(IL12RB1):c.110C>T (p.Pro37Leu)

Gene: IL12RB1 (interleukin 12 receptor subunit beta 1; minus strand). Cytogenetic location: 19p13.11.
Variant type: single nucleotide variant.
Coding change: c.110C>T on transcript NM_005535.3 (MANE Select); coding-DNA position 110, C replaced by T.
Protein change: p.Pro37Leu; replaces proline 37 with leucine.
Molecular consequence: missense variant.
Genome position (GRCh38, 1-based): chr19:18,083,446, G>A on the plus strand (C>T on the coding strand, the complement: IL12RB1 is on the minus strand). VCF-style: chr19-18083446-G-A. GRCh37 (hg19) VCF-style: chr19-18194256-G-A.
Other names: c.110C>T, p.Pro37Leu (NM_001290023.2, NM_153701.3); c.230C>T, p.Pro77Leu (NM_001290024.2); short protein forms P37L, P77L.
Identifiers: ClinVar variation 844808 (VCV000844808.20), dbSNP rs142484991, ClinGen allele CA9305358.